The following is an entry in ClinVar:

ClinVar aggregate classification (germline): Likely pathogenic (0 of 4 stars; one submission).

Conditions:
Pyruvate dehydrogenase E1-alpha deficiency (PDHAD). Also called: ATAXIA, INTERMITTENT, WITH PYRUVATE DEHYDROGENASE DEFICIENCY; ATAXIA WITH LACTIC ACIDOSIS I; ATAXIA, INTERMITTENT, WITH ABNORMAL PYRUVATE METABOLISM; Ataxia, intermittent, with pyruvate dehydrogenase, or decarboxylase, deficiency. Identifiers: Orphanet 79243, MedGen C1839413, MONDO:0010717, OMIM 312170.

Submission:

PDHA1 Study Group, University Children’s Hospital, Paracelsus Medical University
Classification: Likely pathogenic for Pyruvate dehydrogenase E1-alpha deficiency. Last evaluated: 2024-10-15. Review status: no assertion criteria provided. Collection method: research. Allele origin: germline. Affected: yes. Observed: 1 variant allele.
Comment: The NM_000284.3:c.416C>G (p.Thr139Arg) substitution is a missense variant in PDHA1 gene. Last literature search: July 12, 2024. This variant is absent or extremely rare in population-based cohorts in the Genome Aggregation Database (gnomAD). Individuals harboring this variant presented with clinical features compatible with PDHA1-related PDHc deficiency. In summary, this variant meets criteria to be classified as likely pathogenic (LP) for PDHA1-related PDHc deficiency based on the ACMG/AMP criteria applied: PM1, PM2, PP3, PP4 (last assessment October 15, 2024).

Literature cited by the submitters: DOI 10.1093/brain/awaf430.

NM_000284.4(PDHA1):c.416C>G (p.Thr139Arg)

Gene: PDHA1 (pyruvate dehydrogenase E1 subunit alpha 1; plus strand). Cytogenetic location: Xp22.12.
Variant type: single nucleotide variant.
Coding change: c.416C>G on transcript NM_000284.4 (MANE Select); coding-DNA position 416, C replaced by G.
Protein change: p.Thr139Arg; replaces threonine 139 with arginine.
Molecular consequence: missense variant.
Genome position (GRCh38, 1-based): chrX:19,351,405, C>G. VCF-style: chrX-19351405-C-G. GRCh37 (hg19) VCF-style: chrX-19369523-C-G.
Other names: c.530C>G, p.Thr177Arg (NM_001173454.2); c.437C>G, p.Thr146Arg (NM_001173455.2); c.416C>G, p.Thr139Arg (NM_001173456.2); short protein forms T139R, T146R, T177R.
Identifiers: ClinVar variation 4070316 (VCV004070316.1).